The following is an entry in ClinVar:

ClinVar aggregate classification (germline): Uncertain significance (1 of 4 stars; one submission).

Submission:

Women's Health and Genetics/Laboratory Corporation of America, LabCorp
Classification: Uncertain significance. Last evaluated: 2025-10-15. Review status: criteria provided, single submitter. Criteria: LabCorp Variant Classification Summary - May 2015. Collection method: clinical testing. Allele origin: germline.
Comment: Variant summary: HCN1 c.*7C>A is located in the untranslated mRNA region downstream of the termination codon. The frequency data for this variant in gnomAD is considered unreliable, as metrics indicate poor data quality at this position. To our knowledge, no occurrence of c.*7C>A in individuals affected with HCN1-related conditions and no experimental evidence demonstrating its impact on protein function have been reported. No submitters have cited clinical-significance assessments for this variant to ClinVar. Based on the evidence outlined above, the variant was classified as uncertain significance.

NM_021072.4(HCN1):c.*7C>A

Gene: HCN1 (hyperpolarization activated cyclic nucleotide gated potassium channel 1; minus strand). Cytogenetic location: 5p12.
Variant type: single nucleotide variant.
Coding change: c.*7C>A on transcript NM_021072.4 (MANE Select); 7 bases downstream of the stop codon, C replaced by A.
Molecular consequence: 3 prime UTR variant.
Genome position (GRCh38, 1-based): chr5:45,261,914, G>T on the plus strand (C>A on the coding strand, the complement: HCN1 is on the minus strand). VCF-style: chr5-45261914-G-T. GRCh37 (hg19) VCF-style: chr5-45262016-G-T.
Identifiers: ClinVar variation 4687290 (VCV004687290.1).
Genomic context (GRCh38, chr5:45,261,914, plus strand): 5'-AAAATAAGATCTGAGTATAGTCTCAGTTTATGAGAGTATTTCTTTCTGCTTTGACAATCA[G>T]CAGGGATCATAAATTTGAAGCAAATCGTGGCTTTTCTGCGTCTGGGTCTGTGTTTAAGAC-3'